The following is an entry in ClinVar:

NM_001033855.3(DCLRE1C):c.227G>C (p.Arg76Thr)

Gene: DCLRE1C (DNA cross-link repair 1C; minus strand). Cytogenetic location: 10p13.
Variant type: single nucleotide variant.
Coding change: c.227G>C on transcript NM_001033855.3 (MANE Select); coding-DNA position 227, G replaced by C.
Protein change: p.Arg76Thr; replaces arginine 76 with threonine.
Molecular consequence: missense variant. On other transcripts: 5 prime UTR variant (8), non-coding transcript variant (4), intron variant (1).
Genome position (GRCh38, 1-based): chr10:14,945,124, C>G on the plus strand (G>C on the coding strand, the complement: DCLRE1C is on the minus strand). VCF-style: chr10-14945124-C-G. GRCh37 (hg19) VCF-style: chr10-14987123-C-G.
Other names: NM_001033855.3(DCLRE1C):c.227G>C; p.Arg76Thr; c.-134G>C (NM_001033857.3, NM_001289077.2, NM_001350967.2); c.-456G>C (NM_001033858.3, NM_001289079.2); c.-63G>C (NM_001289078.2, NM_001350966.2, NM_022487.4); c.227G>C, p.Arg76Thr (NM_001350965.2); c.-44+3912G>C (NM_001289076.2); short protein forms R76T.
Identifiers: ClinVar variation 379076 (VCV000379076.63), dbSNP rs41296438, ClinGen allele CA5416971.

ClinVar aggregate classification (germline): Benign. Review status: reviewed by expert panel (3 of 4 stars). 7 submissions from 7 submitters: Benign (1). 6 of the submissions do not count toward it. Last evaluated 2024-01-23.

Conditions:
Histiocytic medullary reticulosis. Also called: SEVERE COMBINED IMMUNODEFICIENCY WITH HYPEREOSINOPHILIA; Omenn syndrome. Identifiers: Orphanet 39041, MedGen C2700553, MONDO:0011338, OMIM 603554.
Severe combined immunodeficiency due to DCLRE1C deficiency (RS-SCID). Also called: SCID, AUTOSOMAL RECESSIVE, T CELL-NEGATIVE, B CELL-NEGATIVE, NK CELL-POSITIVE, WITH SENSITIVITY TO IONIZING RADIATION. Identifiers: Orphanet 275, MedGen C1865371, MONDO:0011225, OMIM 602450.
Athabaskan severe combined immunodeficiency (SCIDA). Also called: Severe combined immunodeficiency, athabascan-type. Identifiers: MedGen C1865370.

Allele frequency attached by ClinVar (database versions not stated): 1000 Genomes Project 0.00499; gnomAD 0.00789 and 0.00869; TOPMed 0.00927; ESP Exome Variant Server 0.00953; 1000 Genomes Project 30x 0.00593; gnomAD exomes 0.00192; ExAC 0.00238.
gnomAD v4.1: 2,326 of 1,612,330 alleles (0.14%); highest among the groups gnomAD compares: African/African-American, 2.8%; 36 homozygotes.

Submissions (7):

ClinGen Severe Combined Immunodeficiency Variant Curation Expert Panel, ClinGen
Classification: Benign for Severe combined immunodeficiency due to DCLRE1C deficiency. Last evaluated: 2024-01-23. Review status: reviewed by expert panel. Criteria: ClinGen SCID ACMG Specifications DCLRE1C V1.0.0. Collection method: curation. Allele origin: germline. Inheritance: Autosomal recessive inheritance.
Comment: The c.227G>C (NM_001033855.3) variant in DCLRE1C is a missense variant predicted to cause substitution of Arginine by Threonine at amino acid 76 p.Arg76Thr. The filtering allele frequency (the lower threshold of the 95% CI of 713/24912) of the c.227G>C variant in DCLRE1C is 0.02613 for African/African American chromosomes by gnomAD v2.1.1, which is higher than the ClinGen SCID VCEP threshold (>0.00346) for BA1, and therefore meets this criterion (BA1). Additionally, there have been descriptions of 11 homozygous individuals. In summary, this variant meets the criteria to be classified as Benign for autosomal recessive severe combined immunodeficiency due to DCLRE1C deficiency based on the ACMG/AMP criteria applied, as specified by the ClinGen SCID VCEP: BA1. (VCEP specifications version 1).

Labcorp Genetics (formerly Invitae), Labcorp
Classification: Benign for Athabaskan severe combined immunodeficiency. Last evaluated: 2026-01-31. Review status: criteria provided, single submitter. Criteria: Invitae Variant Classification Sherloc (09022015). Collection method: clinical testing. Allele origin: germline. Not counted in ClinVar's aggregate classification.

Women's Health and Genetics/Laboratory Corporation of America, LabCorp
Classification: Likely benign. Last evaluated: 2026-01-29. Review status: criteria provided, single submitter. Criteria: LabCorp Variant Classification Summary - May 2015. Collection method: clinical testing. Allele origin: germline. Not counted in ClinVar's aggregate classification.
Comment: Variant summary: DCLRE1C c.227G>C (p.Arg76Thr) results in a non-conservative amino acid change in the encoded protein sequence. Algorithms developed to predict the effect of missense changes on protein structure and function are either unavailable or do not agree on the potential impact of this missense change. The variant allele was found at a frequency of 0.0019 in 251112 control chromosomes, predominantly at a frequency of 0.028 within the African or African-American subpopulation in the gnomAD database, including 7 homozygotes. The observed variant frequency within African or African-American control individuals in the gnomAD database exceeds the estimated maximal expected allele frequency for disease-causing variants in DCLRE1C. To our knowledge, no occurrence of c.227G>C in individuals affected with DCLRE1C-related conditions and no experimental evidence demonstrating its impact on protein function have been reported. ClinVar contains an entry for this variant (Variation ID: 379076). Based on the evidence outlined above, the variant was classified as likely benign.

ARUP Laboratories, Molecular Genetics and Genomics, ARUP Laboratories
Classification: Benign. Last evaluated: 2019-08-02. Review status: criteria provided, single submitter. Criteria: ARUP Molecular Germline Variant Investigation Process. Collection method: clinical testing. Allele origin: germline. Not counted in ClinVar's aggregate classification.

GeneDx
Classification: Benign. Last evaluated: 2019-01-24. Review status: criteria provided, single submitter. Criteria: GeneDx Variant Classification Process June 2021. Collection method: clinical testing. Allele origin: germline. Affected: yes. Not counted in ClinVar's aggregate classification.

Illumina Laboratory Services, Illumina
Classification: Benign for Histiocytic medullary reticulosis. Last evaluated: 2018-01-13. Review status: criteria provided, single submitter. Criteria: ICSL Variant Classification Criteria 13 December 2019. Collection method: clinical testing. Allele origin: germline. Not counted in ClinVar's aggregate classification.
Comment: This variant was observed in the ICSL laboratory as part of a predisposition screen in an ostensibly healthy population. It had not been previously curated by ICSL or reported in the Human Gene Mutation Database (HGMD: prior to June 1st, 2018), and was therefore a candidate for classification through an automated scoring system. Utilizing variant allele frequency, disease prevalence and penetrance estimates, and inheritance mode, an automated score was calculated to assess if this variant is too frequent to cause the disease. Based on the score and internal cut-off values, a variant classified as benign is not then subjected to further curation. The score for this variant resulted in a classification of benign for this disease.

Natera, Inc.
Classification: Benign for Athabascan severe combined immunodeficiency. Last evaluated: 2019-12-03. Review status: no assertion criteria provided. Collection method: clinical testing. Allele origin: germline. Not counted in ClinVar's aggregate classification.